The following is an entry in ClinVar:

NM_001844.5(COL2A1):c.796A>G (p.Arg266Gly)

Gene: COL2A1 (collagen type II alpha 1 chain; minus strand). Cytogenetic location: 12q13.11.
Variant type: single nucleotide variant.
Coding change: c.796A>G on transcript NM_001844.5 (MANE Select); coding-DNA position 796, A replaced by G.
Protein change: p.Arg266Gly; replaces arginine 266 with glycine.
Molecular consequence: missense variant.
Genome position (GRCh38, 1-based): chr12:47,994,444, T>C on the plus strand (A>G on the coding strand, the complement: COL2A1 is on the minus strand). VCF-style: chr12-47994444-T-C. GRCh37 (hg19) VCF-style: chr12-48388227-T-C.
Other names: c.589A>G, p.Arg197Gly (NM_033150.3); short protein forms R197G, R266G.
Identifiers: ClinVar variation 2110107 (VCV002110107.4), dbSNP rs2540170514, ClinGen allele CA384522436.

ClinVar aggregate classification (germline): Uncertain significance (1 of 4 stars; one submission).

Submission:

Labcorp Genetics (formerly Invitae), Labcorp
Classification: Uncertain significance. Last evaluated: 2022-03-12. Review status: criteria provided, single submitter. Criteria: Invitae Variant Classification Sherloc (09022015). Collection method: clinical testing. Allele origin: germline.
Comment: Algorithms developed to predict the effect of missense changes on protein structure and function are either unavailable or do not agree on the potential impact of this missense change (SIFT: "Deleterious"; PolyPhen-2: "Not Available"; Align-GVGD: "Class C65"). In summary, the available evidence is currently insufficient to determine the role of this variant in disease. Therefore, it has been classified as a Variant of Uncertain Significance. This sequence change replaces arginine, which is basic and polar, with glycine, which is neutral and non-polar, at codon 266 of the COL2A1 protein (p.Arg266Gly). This variant is not present in population databases (gnomAD no frequency). This variant has not been reported in the literature in individuals affected with COL2A1-related conditions.